The following is an entry in ClinVar:

ClinVar aggregate classification (germline): Benign (1 of 4 stars; one submission).

gnomAD v4.1: 2,853 of 1,612,360 alleles (0.18%); highest among the groups gnomAD compares: African/African-American, 3.3%; 44 homozygotes.

Submission:

Women's Health and Genetics/Laboratory Corporation of America, LabCorp
Classification: Benign. Last evaluated: 2026-01-28. Review status: criteria provided, single submitter. Criteria: LabCorp Variant Classification Summary - May 2015. Collection method: clinical testing. Allele origin: germline.
Comment: Variant summary: MAN2B2 c.290G>A (p.Arg97His) results in a non-conservative amino acid change in the encoded protein sequence. Algorithms developed to predict the effect of missense changes on protein structure and function are either unavailable or do not agree on the potential impact of this missense change. The variant allele was found at a frequency of 0.0024 in 248884 control chromosomes, predominantly at a frequency of 0.033 within the African or African-American subpopulation in the gnomAD database, including 8 homozygotes. The observed variant frequency within African or African-American control individuals in the gnomAD database exceeds the estimated maximal expected allele frequency for disease-causing variants in MAN2B2. To our knowledge, no occurrence of c.290G>A in individuals affected with MAN2B2-related conditions and no experimental evidence demonstrating its impact on protein function have been reported. No submitters have cited clinical-significance assessments for this variant to ClinVar. Based on the evidence outlined above, the variant was classified as benign.

NM_015274.3(MAN2B2):c.290G>A (p.Arg97His)

Gene: MAN2B2 (mannosidase alpha class 2B member 2; plus strand). Cytogenetic location: 4p16.1.
Variant type: single nucleotide variant.
Coding change: c.290G>A on transcript NM_015274.3 (MANE Select); coding-DNA position 290, G replaced by A.
Protein change: p.Arg97His; replaces arginine 97 with histidine.
Molecular consequence: missense variant.
Genome position (GRCh38, 1-based): chr4:6,578,397, G>A. VCF-style: chr4-6578397-G-A. GRCh37 (hg19) VCF-style: chr4-6580124-G-A.
Other names: c.290G>A, p.Arg97His (NM_001292038.2); short protein forms R97H.
Identifiers: ClinVar variation 4689159 (VCV004689159.1).